The following is an entry in ClinVar:

ClinVar aggregate classification (germline): Uncertain significance. Review status: criteria provided, multiple submitters, no conflicts (2 of 4 stars). 2 submissions from 2 submitters: Uncertain significance (2). Last evaluated 2025-11-05.

Conditions:
Tumor predisposition syndrome 3 (TPDS3). Also called: Melanoma, cutaneous malignant, susceptibility to, 10; Glioma susceptibility 9; LONG TELOMERE SYNDROME, POT1-RELATED; POT1 Tumor Predisposition. Identifiers: Orphanet 618, MedGen C4014476, MONDO:0014368, OMIM 615848.
Hereditary cancer-predisposing syndrome. Also called: Neoplastic Syndromes, Hereditary; Tumor predisposition; Hereditary Cancer Syndrome; Hereditary neoplastic syndrome. Identifiers: Orphanet 140162, MedGen C0027672, MeSH D009386, MONDO:0015356.

Allele frequency attached by ClinVar (database versions not stated): gnomAD exomes below 0.00001.
gnomAD v4.1: 3 of 1,613,448 alleles (0.00019%); highest among the groups gnomAD compares: Non-Finnish European, 0.00025%; no homozygotes.

Submissions (2):

Labcorp Genetics (formerly Invitae), Labcorp
Classification: Uncertain significance for Tumor predisposition syndrome 3. Last evaluated: 2025-11-05. Review status: criteria provided, single submitter. Criteria: Invitae Variant Classification Sherloc (09022015). Collection method: clinical testing. Allele origin: germline.
Comment: This sequence change replaces leucine, which is neutral and non-polar, with valine, which is neutral and non-polar, at codon 466 of the POT1 protein (p.Leu466Val). This variant is present in population databases (no rsID available, gnomAD 0.0009%). This variant has not been reported in the literature in individuals affected with POT1-related conditions. ClinVar contains an entry for this variant (Variation ID: 1347188). Invitae Evidence Modeling of protein sequence and biophysical properties (such as structural, functional, and spatial information, amino acid conservation, physicochemical variation, residue mobility, and thermodynamic stability) indicates that this missense variant is not expected to disrupt POT1 protein function with a negative predictive value of 80%. In summary, the available evidence is currently insufficient to determine the role of this variant in disease. Therefore, it has been classified as a Variant of Uncertain Significance.

Ambry Genetics
Classification: Uncertain significance for Hereditary cancer-predisposing syndrome. Last evaluated: 2019-11-14. Review status: criteria provided, single submitter. Criteria: Ambry Variant Classification Scheme 2023. Collection method: clinical testing. Allele origin: germline.
Comment: The p.L466V variant (also known as c.1396C>G), located in coding exon 11 of the POT1 gene, results from a C to G substitution at nucleotide position 1396. The leucine at codon 466 is replaced by valine, an amino acid with highly similar properties. This amino acid position is highly conserved in available vertebrate species. In addition, the in silico prediction for this alteration is inconclusive. Since supporting evidence is limited at this time, the clinical significance of this alteration remains unclear.

NM_015450.3(POT1):c.1396C>G (p.Leu466Val)

Gene: POT1 (protection of telomeres 1; minus strand). Cytogenetic location: 7q31.33.
Variant type: single nucleotide variant.
Coding change: c.1396C>G on transcript NM_015450.3 (MANE Select); coding-DNA position 1396, C replaced by G.
Protein change: p.Leu466Val; replaces leucine 466 with valine.
Molecular consequence: missense variant. On other transcripts: non-coding transcript variant (3).
Genome position (GRCh38, 1-based): chr7:124,835,388, G>C on the plus strand (C>G on the coding strand, the complement: POT1 is on the minus strand). VCF-style: chr7-124835388-G-C. GRCh37 (hg19) VCF-style: chr7-124475442-G-C.
Other names: c.1003C>G, p.Leu335Val (NM_001042594.2); short protein forms L335V, L466V.
Identifiers: ClinVar variation 1347188 (VCV001347188.8), dbSNP rs958828560, ClinGen allele CA166100696.